The following is an entry in ClinVar:

NM_014055.4(IFT81):c.1543C>T (p.Arg515Cys)

Gene: IFT81 (intraflagellar transport 81; plus strand). Cytogenetic location: 12q24.11.
Variant type: single nucleotide variant.
Coding change: c.1543C>T on transcript NM_014055.4 (MANE Select); coding-DNA position 1543, C replaced by T.
Protein change: p.Arg515Cys; replaces arginine 515 with cysteine.
Molecular consequence: missense variant. On other transcripts: non-coding transcript variant (4).
Genome position (GRCh38, 1-based): chr12:110,192,692, C>T. VCF-style: chr12-110192692-C-T. GRCh37 (hg19) VCF-style: chr12-110630497-C-T.
Other names: c.1543C>T, p.Arg515Cys (NM_001143779.2); c.613C>T, p.Arg205Cys (NM_001347947.2, NM_001347948.2); short protein forms R515C, R205C.
Identifiers: ClinVar variation 846599 (VCV000846599.10), dbSNP rs189109779, ClinGen allele CA6783392.

ClinVar aggregate classification (germline): Uncertain significance. Review status: criteria provided, multiple submitters, no conflicts (2 of 4 stars). 4 submissions from 4 submitters: Uncertain significance (4). Last evaluated 2025-08-11.

Conditions:
Inborn genetic diseases. Identifiers: MedGen C0950123, MeSH D030342.

Allele frequency attached by ClinVar (database versions not stated): gnomAD exomes 0.00004 and 0.00008; ExAC 0.00010; gnomAD 0.00022 and 0.00023; TOPMed 0.00029; 1000 Genomes Project 30x 0.00047; 1000 Genomes Project 0.00060.
gnomAD v4.1: 94 of 1,565,650 alleles (0.006%); highest among the groups gnomAD compares: African/African-American, 0.066%; no homozygotes.

Submissions (4):

Ambry Genetics
Classification: Uncertain significance for Inborn genetic diseases. Last evaluated: 2025-08-11. Review status: criteria provided, single submitter. Criteria: Ambry Variant Classification Scheme 2023. Collection method: clinical testing. Allele origin: germline.

Blueprint Genetics
Classification: Uncertain significance. Last evaluated: 2024-11-12. Review status: criteria provided, single submitter. Criteria: ACMG Guidelines, 2015. Collection method: clinical testing. Allele origin: germline.

Labcorp Genetics (formerly Invitae), Labcorp
Classification: Uncertain significance. Last evaluated: 2022-10-04. Review status: criteria provided, single submitter. Criteria: Invitae Variant Classification Sherloc (09022015). Collection method: clinical testing. Allele origin: germline.
Comment: This sequence change replaces arginine, which is basic and polar, with cysteine, which is neutral and slightly polar, at codon 515 of the IFT81 protein (p.Arg515Cys). This variant is present in population databases (rs189109779, gnomAD 0.08%). This variant has not been reported in the literature in individuals affected with IFT81-related conditions. ClinVar contains an entry for this variant (Variation ID: 846599). Advanced modeling of protein sequence and biophysical properties (such as structural, functional, and spatial information, amino acid conservation, physicochemical variation, residue mobility, and thermodynamic stability) performed at Invitae indicates that this missense variant is expected to disrupt IFT81 protein function. In summary, the available evidence is currently insufficient to determine the role of this variant in disease. Therefore, it has been classified as a Variant of Uncertain Significance.

Breakthrough Genomics
Classification: Uncertain significance. Review status: criteria provided, single submitter. Criteria: ACMG Guidelines, 2015. Collection method: not provided. Allele origin: germline. Inheritance: Autosomal recessive inheritance. Affected: yes.